The following is an entry in ClinVar:

NM_000551.4(VHL):c.255G>A (p.Leu85=)

Gene: VHL (von Hippel-Lindau tumor suppressor; plus strand). Cytogenetic location: 3p25.3.
Variant type: single nucleotide variant.
Coding change: c.255G>A on transcript NM_000551.4 (MANE Select); coding-DNA position 255, G replaced by A.
Protein change: p.Leu85=; no amino-acid change (leucine 85 retained).
Molecular consequence: synonymous variant.
Genome position (GRCh38, 1-based): chr3:10,142,102, G>A. VCF-style: chr3-10142102-G-A. GRCh37 (hg19) VCF-style: chr3-10183786-G-A.
Other names: c.255G>A, p.Leu85= (NM_001354723.2, NM_198156.3).
Identifiers: ClinVar variation 230334 (VCV000230334.18), dbSNP rs876658508, ClinGen allele CA10578181.

ClinVar aggregate classification (germline): Benign/Likely benign. Review status: criteria provided, multiple submitters, no conflicts (2 of 4 stars). 4 submissions from 4 submitters: Benign (1); Likely benign (3). Last evaluated 2025-10-19.

Conditions:
Chuvash polycythemia. Also called: POLYCYTHEMIA, VHL-DEPENDENT. Identifiers: Orphanet 238557, MedGen C1837915, MONDO:0009892, OMIM 263400.
Von Hippel-Lindau syndrome (VHLS). Also called: von Hippel–Lindau syndrome; VHL syndrome; Von Hippel-Lindau. Identifiers: Orphanet 892, MedGen C0019562, MONDO:0008667, OMIM 193300. Disease mechanism: loss of function.
Hereditary cancer-predisposing syndrome. Also called: Hereditary Cancer Syndrome; Neoplastic Syndromes, Hereditary; Tumor predisposition; Hereditary neoplastic syndrome. Identifiers: Orphanet 140162, MedGen C0027672, MeSH D009386, MONDO:0015356.

Allele frequency attached by ClinVar (database versions not stated): TOPMed below 0.00001; gnomAD 0.00001.
gnomAD v4.1: 8 of 1,603,432 alleles (0.0005%); highest among the groups gnomAD compares: Non-Finnish European, 0.00068%; no homozygotes.

Submissions (4):

Labcorp Genetics (formerly Invitae), Labcorp
Classification: Likely benign for Von Hippel-Lindau syndrome; Chuvash polycythemia. Last evaluated: 2025-10-19. Review status: criteria provided, single submitter. Criteria: Invitae Variant Classification Sherloc (09022015). Collection method: clinical testing. Allele origin: germline.

Myriad Genetics, Inc.
Classification: Benign for Von Hippel-Lindau syndrome. Last evaluated: 2025-06-10. Review status: criteria provided, single submitter. Criteria: Myriad Autosomal Dominant, Autosomal Recessive and X-Linked Classification Criteria (2023). Collection method: clinical testing. Allele origin: unknown.
Comment: This variant is considered benign. This variant is a silent/synonymous amino acid change and it is not expected to impact splicing.

Color Diagnostics, LLC DBA Color Health
Classification: Likely benign for Von Hippel-Lindau syndrome. Last evaluated: 2023-10-12. Review status: criteria provided, single submitter. Criteria: ACMG Guidelines, 2015. Collection method: clinical testing. Allele origin: germline.

Ambry Genetics
Classification: Likely benign for Hereditary cancer-predisposing syndrome. Last evaluated: 2015-03-04. Review status: criteria provided, single submitter. Criteria: Ambry Variant Classification Scheme 2023. Collection method: clinical testing. Allele origin: germline.